The following is an entry in ClinVar:

NM_014297.5(ETHE1):c.685del (p.Asn228_Leu229insTer)

Gene: ETHE1 (ETHE1 persulfide dioxygenase; minus strand). Cytogenetic location: 19q13.31.
Variant type: Deletion.
Coding change: c.685del on transcript NM_014297.5 (MANE Select); coding-DNA position 685, one base deleted (C; older notation c.685delC).
Protein change: p.Asn228_Leu229insTer.
Molecular consequence: nonsense.
Genome position (GRCh38, 1-based): chr19:43,507,971, G deleted on the plus strand (C on the coding strand, the reverse complement: ETHE1 is on the minus strand); the first of 2 consecutive G bases (chr19:43,507,971-43,507,972); deleting either gives the same sequence. VCF-style (leftmost placement, unchanged base first): chr19-43507970-AG-A. GRCh37 (hg19) VCF-style: chr19-44012122-AG-A.
Other names: c.652del, p.Asn217_Leu218insTer (NM_001320867.2); c.316del, p.Asn105_Leu106insTer (NM_001320868.2); c.391del, p.Asn130_Leu131insTer (NM_001320869.2).
Identifiers: ClinVar variation 4815664 (VCV004815664.1).

ClinVar aggregate classification (germline): Likely pathogenic (1 of 4 stars; one submission).

Conditions:
Ethylmalonic encephalopathy (EE). Also called: EPEMA syndrome; Encephalopathy, petechiae, and ethylmalonic aciduria; Syndrome of encephalopathy, petechiae, and ethylmalonic aciduria. Identifiers: Orphanet 51188, MedGen C1865349, MONDO:0011229, OMIM 602473. Disease mechanism: loss of function.

Submission:

Natera, Inc.
Classification: Likely pathogenic for Ethylmalonic encephalopathy. Last evaluated: 2025-09-02. Review status: criteria provided, single submitter. Criteria: Natera Variant Classification Schema (03/2026). Collection method: clinical testing. Allele origin: germline.
Comment: The c.685del variant in ETHE1 is a frameshift variant predicted to shift the reading frame and introduce a stop codon. This variant is expected to result in nonsense mediated decay, truncation, or a dysfunctional protein product. This variant is rare in the general population with a frequency below the threshold expected for the associated phenotype(s). Given the available evidence, this variant is classified as Likely Pathogenic.